The following is an entry in ClinVar:

ClinVar aggregate classification (germline): Uncertain significance (1 of 4 stars; one submission).

Allele frequency attached by ClinVar (database versions not stated): gnomAD exomes below 0.00001 and 0.00001; gnomAD 0.00001; TOPMed 0.00001.
gnomAD v4.1: 4 of 1,555,020 alleles (0.00026%); highest among the groups gnomAD compares: Non-Finnish European, 0.00035%; no homozygotes.

Submission:

Labcorp Genetics (formerly Invitae), Labcorp
Classification: Uncertain significance. Last evaluated: 2021-09-24. Review status: criteria provided, single submitter. Criteria: Invitae Variant Classification Sherloc (09022015). Collection method: clinical testing. Allele origin: germline.
Comment: In summary, the available evidence is currently insufficient to determine the role of this variant in disease. Therefore, it has been classified as a Variant of Uncertain Significance. Algorithms developed to predict the effect of missense changes on protein structure and function (SIFT, PolyPhen-2, Align-GVGD) all suggest that this variant is likely to be tolerated. This variant has not been reported in the literature in individuals affected with PLAA-related conditions. This variant is not present in population databases (ExAC no frequency). This sequence change replaces arginine with glycine at codon 53 of the PLAA protein (p.Arg53Gly). The arginine residue is moderately conserved and there is a moderate physicochemical difference between arginine and glycine.

NM_001031689.3(PLAA):c.157A>G (p.Arg53Gly)

Gene: PLAA (phospholipase A2 activating protein; minus strand). Cytogenetic location: 9p21.2.
Variant type: single nucleotide variant.
Coding change: c.157A>G on transcript NM_001031689.3 (MANE Select); coding-DNA position 157, A replaced by G.
Protein change: p.Arg53Gly; replaces arginine 53 with glycine.
Molecular consequence: missense variant.
Genome position (GRCh38, 1-based): chr9:26,935,199, T>C on the plus strand (A>G on the coding strand, the complement: PLAA is on the minus strand). VCF-style: chr9-26935199-T-C. GRCh37 (hg19) VCF-style: chr9-26935197-T-C.
Other names: c.157A>G, p.Arg53Gly (NM_001321546.2); short protein forms R53G.
Identifiers: ClinVar variation 1360905 (VCV001360905.6), dbSNP rs1037349757, ClinGen allele CA191281545.
Genomic context (GRCh38, chr9:26,935,199, plus strand): 5'-TGCATACACAAGATACAAAATTGGAATGGCCACTCATACAGTGCATTTCTGTAAAGCTCC[T>C]GTTTGGACTGGAAAGACAAGATAATTAATAGATACATATTCGTACCCTGACTTAGCCTAG-3'
Protein context (NP_001026859.1, residues 43-63): TRLWAPDSPN[Arg53Gly]SFTEMHCMSG